The following is an entry in ClinVar:

NM_152618.3(BBS12):c.*248G>A

Gene: BBS12 (Bardet-Biedl syndrome 12; plus strand). Cytogenetic location: 4q27.
Variant type: single nucleotide variant.
Coding change: c.*248G>A on transcript NM_152618.3 (MANE Select); 248 bases downstream of the stop codon, G replaced by A.
Molecular consequence: 3 prime UTR variant.
Genome position (GRCh38, 1-based): chr4:122,744,273, G>A. VCF-style: chr4-122744273-G-A. GRCh37 (hg19) VCF-style: chr4-123665428-G-A.
Other names: c.*248G>A (NM_001178007.2).
Identifiers: ClinVar variation 347509 (VCV000347509.7), dbSNP rs4833843, ClinGen allele CA10617038.

ClinVar aggregate classification (germline): Benign. Review status: criteria provided, multiple submitters, no conflicts (2 of 4 stars). 3 submissions from 3 submitters: Benign (3). Last evaluated 2018-11-10.

Conditions:
Bardet-Biedl syndrome 12 (BBS12). Identifiers: Orphanet 110, MedGen C1859570, MONDO:0014440, OMIM 615989.

Allele frequency attached by ClinVar (database versions not stated): gnomAD 0.20459 and 0.21340; TOPMed 0.23985; 1000 Genomes Project 0.36542; 1000 Genomes Project 30x 0.36633.

Submissions (3):

GeneDx
Classification: Benign. Last evaluated: 2018-11-10. Review status: criteria provided, single submitter. Criteria: GeneDx Variant Classification Process June 2021. Collection method: clinical testing. Allele origin: germline. Affected: yes.

Illumina Laboratory Services, Illumina
Classification: Benign for Bardet-Biedl syndrome 12. Last evaluated: 2018-01-13. Review status: criteria provided, single submitter. Criteria: ICSL Variant Classification Criteria 13 December 2019. Collection method: clinical testing. Allele origin: germline.
Comment: This variant was observed in the ICSL laboratory as part of a predisposition screen in an ostensibly healthy population. It had not been previously curated by ICSL or reported in the Human Gene Mutation Database (HGMD: prior to June 1st, 2018), and was therefore a candidate for classification through an automated scoring system. Utilizing variant allele frequency, disease prevalence and penetrance estimates, and inheritance mode, an automated score was calculated to assess if this variant is too frequent to cause the disease. Based on the score and internal cut-off values, a variant classified as benign is not then subjected to further curation. The score for this variant resulted in a classification of benign for this disease.

Breakthrough Genomics
Classification: Benign. Review status: criteria provided, single submitter. Criteria: ACMG Guidelines, 2015. Collection method: not provided. Allele origin: germline. Inheritance: Autosomal recessive inheritance. Affected: yes.